The following is an entry in ClinVar:

NM_000317.3(PTS):c.208del (p.Val70fs)

Gene: PTS (6-pyruvoyltetrahydropterin synthase; plus strand). Cytogenetic location: 11q23.1.
Variant type: Deletion.
Coding change: c.208del on transcript NM_000317.3 (MANE Select); coding-DNA position 208, one base deleted (G; older notation c.208delG).
Protein change: p.Val70fs; shifts the reading frame from valine 70.
Molecular consequence: frameshift variant.
Genome position (GRCh38, 1-based): chr11:112,230,647, G deleted; the last of 2 consecutive G bases (chr11:112,230,646-112,230,647); deleting either gives the same sequence. VCF-style (leftmost placement, unchanged base first): chr11-112230645-TG-T. GRCh37 (hg19) VCF-style: chr11-112101368-TG-T.
Other names: short protein forms V70fs.
Identifiers: ClinVar variation 1725108 (VCV001725108.3), dbSNP rs2496567570, ClinGen allele CA2580083313.
Genomic context (GRCh38, chr11:112,230,645, plus strand): 5'-AGAGCCTATCACAGTAATATTCACCTTTGTTTATTCTTTAGATTGACCCTGCTACGGGAA[TG>T]GTTATGAATCTGGCTGATCTCAAAAAATATATGGAGGTAATGGCATGTTGGGTGCTTATT-3'

ClinVar aggregate classification (germline): Likely pathogenic. Review status: criteria provided, multiple submitters, no conflicts (2 of 4 stars). 2 submissions from 2 submitters: Likely pathogenic (2). Last evaluated 2023-12-14.

Conditions:
6-Pyruvoyl-tetrahydrobiopterin synthase deficiency. Also called: BH4-deficient hyperphenylalaninemia A; Hyperphenylalanemia, BH4-deficient, A; Hyperphenylalaninemia due to 6-pyruvoyl-tetrahydropterin synthase deficiency; 6-Pyruvoyltetrahydropterin Synthase Deficiency; HYPERPHENYLALANINEMIA, TETRAHYDROBIOPTERIN-DEFICIENT, DUE TO PTS DEFICIENCY; PTS-Related Tetrahydrobiopterin Deficiency. Identifiers: Orphanet 13, Orphanet 238583, MedGen C0878676, MONDO:0009863, OMIM 261640.

Submissions (2):

Baylor Genetics
Classification: Likely pathogenic for 6-Pyruvoyl-tetrahydrobiopterin synthase deficiency. Last evaluated: 2023-12-14. Review status: criteria provided, single submitter. Criteria: ACMG Guidelines, 2015. Collection method: clinical testing. Allele origin: unknown.

Myriad Genetics, Inc.
Classification: Likely pathogenic for 6-Pyruvoyl-tetrahydrobiopterin synthase deficiency. Last evaluated: 2022-03-08. Review status: criteria provided, single submitter. Criteria: Myriad Women's Health Autosomal Recessive and X-Linked Classification Criteria (2021). Collection method: clinical testing. Allele origin: unknown.
Comment: NM_000317.2(PTS):c.208delG(V70Lfs*2) is expected to be pathogenic in the context of 6-pyruvoyl-tetrahydropterin synthase deficiency. This variant is predicted to lead to an abnormal or absent protein product due to the creation of a premature termination codon in PTS, a gene where loss-of-function variants are known to be pathogenic. Please note: this variant was assessed in the context of healthy population screening.